The following is an entry in ClinVar:

ClinVar aggregate classification (germline): Uncertain significance (0 of 4 stars; one submission).

Conditions:
TTC8-related disorder. Also called: TTC8-related condition.

gnomAD v4.1: 3 of 1,432,602 alleles (0.00021%); highest among the groups gnomAD compares: African/African-American, 0.0014%; no homozygotes.

Submission:

PreventionGenetics, part of Exact Sciences
Classification: Uncertain significance for TTC8-related condition. Last evaluated: 2023-12-15. Review status: no assertion criteria provided. Collection method: clinical testing. Allele origin: germline.
Comment: The TTC8 c.668A>G variant is predicted to result in the amino acid substitution p.Lys223Arg. To our knowledge, this variant has not been reported in the literature or in a large population database, indicating this variant is rare. At this time, the clinical significance of this variant is uncertain due to the absence of conclusive functional and genetic evidence.

NM_144596.4(TTC8):c.624+2821A>G

Gene: TTC8 (tetratricopeptide repeat domain 8; plus strand). Cytogenetic location: 14q31.3.
Variant type: single nucleotide variant.
Coding change: c.624+2821A>G on transcript NM_144596.4 (MANE Select); 2821 bases into the intron after coding-DNA position 624, A replaced by G.
Molecular consequence: intron variant. On other transcripts: missense variant (1).
Genome position (GRCh38, 1-based): chr14:88,846,671, A>G. VCF-style: chr14-88846671-A-G. GRCh37 (hg19) VCF-style: chr14-89313015-A-G.
Other names: c.668A>G, p.Lys223Arg (NM_001288781.1); c.30+5114A>G (NM_001288782.1); c.594+2821A>G (NM_198309.3, NM_001366535.2); c.-153-177A>G (NM_001288783.1); c.504+2821A>G (NM_198310.3, NM_001366536.2); short protein forms K223R.
Identifiers: ClinVar variation 3351630 (VCV003351630.1).